The following is an entry in ClinVar:

NM_001352913.2(PPP2R5C):c.260-3C>T

Gene: PPP2R5C (protein phosphatase 2 regulatory subunit B'gamma; plus strand). Cytogenetic location: 14q32.31.
Variant type: single nucleotide variant.
Coding change: c.260-3C>T on transcript NM_001352913.2 (MANE Select); 3 bases into the intron before coding-DNA position 260, C replaced by T.
Molecular consequence: intron variant.
Genome position (GRCh38, 1-based): chr14:101,856,683, C>T. VCF-style: chr14-101856683-C-T. GRCh37 (hg19) VCF-style: chr14-102323020-C-T.
Other names: c.275-3C>T (NM_001352914.2); c.260-3C>T (NM_001161726.2); c.188-3C>T (NM_001161725.2); c.-131-3C>T (NM_001352915.2, NM_001352916.2); c.95-3C>T (NM_001352912.1, NM_002719.4, NM_178586.3 and 1 more transcripts).
Identifiers: ClinVar variation 3685861 (VCV003685861.2).

ClinVar aggregate classification (germline): Uncertain significance (1 of 4 stars; one submission).

Submission:

Labcorp Genetics (formerly Invitae), Labcorp
Classification: Uncertain significance. Last evaluated: 2024-11-04. Review status: criteria provided, single submitter. Criteria: Invitae Variant Classification Sherloc (09022015). Collection method: clinical testing. Allele origin: germline.
Comment: This sequence change falls in intron 3 of the PPP2R5C gene. It does not directly change the encoded amino acid sequence of the PPP2R5C protein. It affects a nucleotide within the consensus splice site. This variant is not present in population databases (gnomAD no frequency). This variant has not been reported in the literature in individuals affected with PPP2R5C-related conditions. Variants that disrupt the consensus splice site are a relatively common cause of aberrant splicing (PMID: 17576681, 9536098). Algorithms developed to predict the effect of sequence changes on RNA splicing suggest that this variant is not likely to affect RNA splicing. In summary, the available evidence is currently insufficient to determine the role of this variant in disease. Therefore, it has been classified as a Variant of Uncertain Significance.

Literature cited by the submitters: PubMed 17576681; PubMed 9536098.